The following is an entry in ClinVar:

NM_000455.5(STK11):c.1228G>C (p.Ala410Pro)

Gene: STK11 (serine/threonine kinase 11; plus strand). Cytogenetic location: 19p13.3.
Variant type: single nucleotide variant.
Coding change: c.1228G>C on transcript NM_000455.5 (MANE Select); coding-DNA position 1228, G replaced by C.
Protein change: p.Ala410Pro; replaces alanine 410 with proline.
Molecular consequence: missense variant. On other transcripts: non-coding transcript variant (1).
Genome position (GRCh38, 1-based): chr19:1,226,573, G>C. VCF-style: chr19-1226573-G-C. GRCh37 (hg19) VCF-style: chr19-1226572-G-C.
Other names: short protein forms A410P.
Identifiers: ClinVar variation 3231733 (VCV003231733.2), dbSNP rs2080823389, ClinGen allele CA402953862.

ClinVar aggregate classification (germline): Uncertain significance (1 of 4 stars; one submission).

Conditions:
Hereditary cancer-predisposing syndrome. Also called: Neoplastic Syndromes, Hereditary; Tumor predisposition; Hereditary Cancer Syndrome; Hereditary neoplastic syndrome. Identifiers: Orphanet 140162, MedGen C0027672, MeSH D009386, MONDO:0015356.

Submission:

Ambry Genetics
Classification: Uncertain significance for Hereditary cancer-predisposing syndrome. Last evaluated: 2026-09-11. Review status: criteria provided, single submitter. Criteria: Ambry Variant Classification Scheme 2023. Collection method: clinical testing. Allele origin: germline.
Comment: The p.A410P variant (also known as c.1228G>C), located in coding exon 9 of the STK11 gene, results from a G to C substitution at nucleotide position 1228. The alanine at codon 410 is replaced by proline, an amino acid with highly similar properties. This amino acid position is conserved. In addition, this alteration is predicted to be tolerated by in silico analysis. Based on the available evidence, the clinical significance of this alteration remains unclear.